The following is an entry in ClinVar:

ClinVar aggregate classification (germline): Uncertain significance. Review status: criteria provided, multiple submitters, no conflicts (2 of 4 stars). 2 submissions from 2 submitters: Uncertain significance (2). Last evaluated 2025-12-29.

Allele frequency attached by ClinVar (database versions not stated): gnomAD exomes below 0.00001.
gnomAD v4.1: 6 of 1,611,792 alleles (0.00037%); highest among the groups gnomAD compares: Non-Finnish European, 0.00051%; no homozygotes.

Submissions (2):

Women's Health and Genetics/Laboratory Corporation of America, LabCorp
Classification: Uncertain significance. Last evaluated: 2025-12-29. Review status: criteria provided, single submitter. Criteria: LabCorp Variant Classification Summary - May 2015. Collection method: clinical testing. Allele origin: germline.
Comment: Variant summary: CACNA1D c.2383A>G (p.Lys795Glu) results in a conservative amino acid change in the encoded protein sequence. Algorithms developed to predict the effect of missense changes on protein structure and function are either unavailable or do not agree on the potential impact of this missense change. The variant allele was found at a frequency of 4e-06 in 251194 control chromosomes. The available data on variant occurrences in the general population are insufficient to allow any conclusion about variant significance. To our knowledge, no occurrence of c.2383A>G in individuals affected with CACNA1D-related conditions and no experimental evidence demonstrating its impact on protein function have been reported. ClinVar contains an entry for this variant (Variation ID: 1716620). Based on the evidence outlined above, the variant was classified as uncertain significance.

Labcorp Genetics (formerly Invitae), Labcorp
Classification: Uncertain significance. Last evaluated: 2025-05-05. Review status: criteria provided, single submitter. Criteria: Invitae Variant Classification Sherloc (09022015). Collection method: clinical testing. Allele origin: germline.
Comment: This sequence change replaces lysine, which is basic and polar, with glutamic acid, which is acidic and polar, at codon 795 of the CACNA1D protein (p.Lys795Glu). This variant is present in population databases (no rsID available, gnomAD 0.0009%). This variant has not been reported in the literature in individuals affected with CACNA1D-related conditions. ClinVar contains an entry for this variant (Variation ID: 1716620). Invitae Evidence Modeling of protein sequence and biophysical properties (such as structural, functional, and spatial information, amino acid conservation, physicochemical variation, residue mobility, and thermodynamic stability) indicates that this missense variant is not expected to disrupt CACNA1D protein function with a negative predictive value of 80%. In summary, the available evidence is currently insufficient to determine the role of this variant in disease. Therefore, it has been classified as a Variant of Uncertain Significance.

NM_001128840.3(CACNA1D):c.2323A>G (p.Lys775Glu)

Gene: CACNA1D (calcium voltage-gated channel subunit alpha1 D; plus strand). Cytogenetic location: 3p21.1.
Variant type: single nucleotide variant.
Coding change: c.2323A>G on transcript NM_001128840.3 (MANE Select); coding-DNA position 2323, A replaced by G.
Protein change: p.Lys775Glu; replaces lysine 775 with glutamic acid.
Molecular consequence: missense variant.
Genome position (GRCh38, 1-based): chr3:53,730,543, A>G. VCF-style: chr3-53730543-A-G. GRCh37 (hg19) VCF-style: chr3-53764570-A-G.
Other names: c.2383A>G, p.Lys795Glu (NM_000720.4); c.2323A>G, p.Lys775Glu (NM_001128839.3); short protein forms K775E, K795E.
Identifiers: ClinVar variation 1716620 (VCV001716620.6), dbSNP rs1378670081, ClinGen allele CA353240608.